The following is an entry in ClinVar:

ClinVar aggregate classification (germline): Uncertain significance. Review status: criteria provided, multiple submitters, no conflicts (2 of 4 stars). 4 submissions from 4 submitters: Uncertain significance (4). Last evaluated 2026-03-12.

Conditions:
Hereditary cancer-predisposing syndrome. Also called: Tumor predisposition; Hereditary neoplastic syndrome; Hereditary Cancer Syndrome; Neoplastic Syndromes, Hereditary. Identifiers: Orphanet 140162, MedGen C0027672, MeSH D009386, MONDO:0015356.
Classic or attenuated familial adenomatous polyposis. Identifiers: MedGen CN372698, MONDO:0021057.
Familial adenomatous polyposis 1 (FAP1). Also called: FAMILIAL ADENOMATOUS POLYPOSIS 1, ATTENUATED; POLYPOSIS, ADENOMATOUS INTESTINAL. Identifiers: MedGen C2713442, MONDO:0021056, OMIM 175100. Disease mechanism: loss of function.

Submissions (4):

Ambry Genetics
Classification: Uncertain significance for Hereditary cancer-predisposing syndrome. Last evaluated: 2026-03-12. Review status: criteria provided, single submitter. Criteria: Ambry Variant Classification Scheme 2023. Collection method: clinical testing. Allele origin: germline.
Comment: The p.P2222T variant (also known as c.6664C>A), located in coding exon 15 of the APC gene, results from a C to A substitution at nucleotide position 6664. The proline at codon 2222 is replaced by threonine, an amino acid with highly similar properties. This amino acid position is conserved. In addition, in silico predictors for this gene do not accurately predict pathogenicity. Based on the available evidence, the clinical significance of this variant remains unclear.

Labcorp Genetics (formerly Invitae), Labcorp
Classification: Uncertain significance for Familial adenomatous polyposis 1. Last evaluated: 2024-06-19. Review status: criteria provided, single submitter. Criteria: Invitae Variant Classification Sherloc (09022015). Collection method: clinical testing. Allele origin: germline.
Comment: This sequence change replaces proline, which is neutral and non-polar, with threonine, which is neutral and polar, at codon 2222 of the APC protein (p.Pro2222Thr). This variant is not present in population databases (gnomAD no frequency). This variant has not been reported in the literature in individuals affected with APC-related conditions. ClinVar contains an entry for this variant (Variation ID: 918737). Advanced modeling of protein sequence and biophysical properties (such as structural, functional, and spatial information, amino acid conservation, physicochemical variation, residue mobility, and thermodynamic stability) performed at Invitae indicates that this missense variant is not expected to disrupt APC protein function with a negative predictive value of 95%. In summary, the available evidence is currently insufficient to determine the role of this variant in disease. Therefore, it has been classified as a Variant of Uncertain Significance.

All of Us Research Program, National Institutes of Health
Classification: Uncertain significance for Classic or attenuated familial adenomatous polyposis. Last evaluated: 2023-06-08. Review status: criteria provided, single submitter. Criteria: ACMG Guidelines, 2015. Collection method: clinical testing. Allele origin: germline. Inheritance: Autosomal dominant inheritance. Observed: 1 variant allele, 1 heterozygote.
Comment: This missense variant replaces proline with threonine at codon 2222 of the APC protein. Computational prediction is inconclusive regarding the impact of this variant on protein structure and function (internally defined REVEL score threshold 0.5 < inconclusive < 0.7, PMID: 27666373). Splice site prediction tools suggest that this variant may not impact RNA splicing. To our knowledge, functional studies have not been performed for this variant. This variant has not been reported in individuals affected with hereditary cancer in the literature. This variant has not been identified in the general population by the Genome Aggregation Database (gnomAD). The available evidence is insufficient to determine the role of this variant in disease conclusively. Therefore, this variant is classified as a Variant of Uncertain Significance.

This study involves interpretation of variants in research participants for the purpose of population health screening. Participant phenotype was not available at the time of variant classification. Additional details can be found in publication PMID: 35346344, PMCID: PMC8962531

Color Diagnostics, LLC DBA Color Health
Classification: Uncertain significance for Hereditary cancer-predisposing syndrome. Last evaluated: 2023-05-18. Review status: criteria provided, single submitter. Criteria: ACMG Guidelines, 2015. Collection method: clinical testing. Allele origin: germline.
Comment: This missense variant replaces proline with threonine at codon 2222 of the APC protein. Computational prediction is inconclusive regarding the impact of this variant on protein structure and function (internally defined REVEL score threshold 0.5 < inconclusive < 0.7, PMID: 27666373). To our knowledge, functional studies have not been reported for this variant. This variant has not been reported in individuals affected with APC-related disorders in the literature. This variant has not been identified in the general population by the Genome Aggregation Database (gnomAD). The available evidence is insufficient to determine the role of this variant in disease conclusively. Therefore, this variant is classified as a Variant of Uncertain Significance.

NM_000038.6(APC):c.6664C>A (p.Pro2222Thr)

Gene: APC (APC regulator of Wnt signaling pathway; plus strand). Cytogenetic location: 5q22.2.
Variant type: single nucleotide variant.
Coding change: c.6664C>A on transcript NM_000038.6 (MANE Select); coding-DNA position 6664, C replaced by A.
Protein change: p.Pro2222Thr; replaces proline 2222 with threonine.
Molecular consequence: missense variant.
Genome position (GRCh38, 1-based): chr5:112,842,258, C>A. VCF-style: chr5-112842258-C-A. GRCh37 (hg19) VCF-style: chr5-112177955-C-A.
Other names: c.6580C>A, p.Pro2194Thr (NM_001354899.2); c.6541C>A, p.Pro2181Thr (NM_001354900.2); c.6487C>A, p.Pro2163Thr (NM_001354901.2); c.6391C>A, p.Pro2131Thr (NM_001354902.2); c.6361C>A, p.Pro2121Thr (NM_001354903.2); c.6286C>A, p.Pro2096Thr (NM_001354904.2); c.6184C>A, p.Pro2062Thr (NM_001354905.2); c.5815C>A, p.Pro1939Thr (NM_001354906.2); and 5 more; short protein forms P2181T, P2197T, P2240T, P1939T, P2062T, P2121T, P2163T, P2222T.
Identifiers: ClinVar variation 918737 (VCV000918737.9), dbSNP rs1766270621, ClinGen allele CA16035908.